The following is an entry in ClinVar:

NM_030665.4(RAI1):c.4798C>T (p.Arg1600Trp)

Gene: RAI1 (retinoic acid induced 1; plus strand). Cytogenetic location: 17p11.2.
Variant type: single nucleotide variant.
Coding change: c.4798C>T on transcript NM_030665.4 (MANE Select); coding-DNA position 4798, C replaced by T.
Protein change: p.Arg1600Trp; replaces arginine 1600 with tryptophan.
Molecular consequence: missense variant.
Genome position (GRCh38, 1-based): chr17:17,797,746, C>T. VCF-style: chr17-17797746-C-T. GRCh37 (hg19) VCF-style: chr17-17701060-C-T.
Other names: short protein forms R1600W.
Identifiers: ClinVar variation 1517444 (VCV001517444.9), dbSNP rs1385178590, ClinGen allele CA398557512.

ClinVar aggregate classification (germline): Uncertain significance (1 of 4 stars; one submission).

Allele frequency attached by ClinVar (database versions not stated): gnomAD exomes below 0.00001.
gnomAD v4.1: 7 of 1,613,990 alleles (0.00043%); highest among the groups gnomAD compares: Middle Eastern, 0.016%; no homozygotes.

Submissions (2):

Labcorp Genetics (formerly Invitae), Labcorp
Classification: Uncertain significance. Last evaluated: 2024-02-26. Review status: criteria provided, single submitter. Criteria: Invitae Variant Classification Sherloc (09022015). Collection method: clinical testing. Allele origin: germline.
Comment: This sequence change replaces arginine, which is basic and polar, with tryptophan, which is neutral and slightly polar, at codon 1600 of the RAI1 protein (p.Arg1600Trp). This variant is present in population databases (no rsID available, gnomAD no frequency). This variant has not been reported in the literature in individuals affected with RAI1-related conditions. ClinVar contains an entry for this variant (Variation ID: 1517444). Advanced modeling of protein sequence and biophysical properties (such as structural, functional, and spatial information, amino acid conservation, physicochemical variation, residue mobility, and thermodynamic stability) performed at Invitae indicates that this missense variant is not expected to disrupt RAI1 protein function with a negative predictive value of 80%. In summary, the available evidence is currently insufficient to determine the role of this variant in disease. Therefore, it has been classified as a Variant of Uncertain Significance.

Dr. Peter K. Rogan Lab, Western University
No classification provided (evidence only). Condition: Pancreatic adenocarcinoma. Review status: no classification provided. Collection method: in vitro. Allele origin: not applicable. Functional consequence: retained intron. Not counted in ClinVar's aggregate classification.